The following is an entry in ClinVar:

ClinVar aggregate classification (germline): Uncertain significance. Review status: criteria provided, multiple submitters, no conflicts (2 of 4 stars). 2 submissions from 2 submitters: Uncertain significance (2). Last evaluated 2024-07-31.

gnomAD v4.1: 30 of 1,614,090 alleles (0.0019%); highest among the groups gnomAD compares: South Asian, 0.033%; 2 homozygotes.

Submissions (2):

Ambry Genetics
Classification: Uncertain significance. Last evaluated: 2024-07-31. Review status: criteria provided, single submitter. Criteria: Ambry Variant Classification Scheme 2023. Collection method: clinical testing. Allele origin: germline.

Labcorp Genetics (formerly Invitae), Labcorp
Classification: Uncertain significance. Last evaluated: 2024-04-02. Review status: criteria provided, single submitter. Criteria: Invitae Variant Classification Sherloc (09022015). Collection method: clinical testing. Allele origin: germline.
Comment: This sequence change replaces glutamine, which is neutral and polar, with histidine, which is basic and polar, at codon 2085 of the ACACA protein (p.Gln2085His). This variant is present in population databases (rs768632814, gnomAD 0.03%). This variant has not been reported in the literature in individuals affected with ACACA-related conditions. Algorithms developed to predict the effect of missense changes on protein structure and function output the following: SIFT: "Not Available"; PolyPhen-2: "Benign"; Align-GVGD: "Not Available". The histidine amino acid residue is found in multiple mammalian species, which suggests that this missense change does not adversely affect protein function. In summary, the available evidence is currently insufficient to determine the role of this variant in disease. Therefore, it has been classified as a Variant of Uncertain Significance.

NM_198834.3(ACACA):c.6366G>T (p.Gln2122His)

Gene: ACACA (acetyl-CoA carboxylase alpha; minus strand). Cytogenetic location: 17q12.
Variant type: single nucleotide variant.
Coding change: c.6366G>T on transcript NM_198834.3 (MANE Select); coding-DNA position 6366, G replaced by T.
Protein change: p.Gln2122His; replaces glutamine 2122 with histidine.
Molecular consequence: missense variant.
Genome position (GRCh38, 1-based): chr17:37,113,174, C>A on the plus strand (G>T on the coding strand, the complement: ACACA is on the minus strand). VCF-style: chr17-37113174-C-A. GRCh37 (hg19) VCF-style: chr17-35470109-C-A.
Other names: c.6255G>T, p.Gln2085His (NM_198836.3, NM_198839.3); c.6081G>T, p.Gln2027His (NM_198837.2); c.6021G>T, p.Gln2007His (NM_198838.2); short protein forms Q2007H, Q2085H, Q2122H, Q2027H.
Identifiers: ClinVar variation 3456303 (VCV003456303.3).